The following is an entry in ClinVar:

ClinVar aggregate classification (germline): Uncertain significance (1 of 4 stars; one submission).

Conditions:
Capillary malformation-arteriovenous malformation syndrome. Also called: Capillary malformation-arteriovenous malformation. Identifiers: Orphanet 137667, MedGen C1842180, MONDO:0012016.

Allele frequency attached by ClinVar (database versions not stated): gnomAD exomes below 0.00001.
gnomAD v4.1: 1 of 1,613,208 alleles (0.000062%); highest among the groups gnomAD compares: Non-Finnish European, 0.000085%; no homozygotes.

Submission:

Labcorp Genetics (formerly Invitae), Labcorp
Classification: Uncertain significance for Capillary malformation-arteriovenous malformation syndrome. Last evaluated: 2022-09-07. Review status: criteria provided, single submitter. Criteria: Invitae Variant Classification Sherloc (09022015). Collection method: clinical testing. Allele origin: germline.
Comment: This variant has not been reported in the literature in individuals affected with RASA1-related conditions. In summary, the available evidence is currently insufficient to determine the role of this variant in disease. Therefore, it has been classified as a Variant of Uncertain Significance. Algorithms developed to predict the effect of missense changes on protein structure and function are either unavailable or do not agree on the potential impact of this missense change (SIFT: "Deleterious"; PolyPhen-2: "Probably Damaging"; Align-GVGD: "Class C0"). This variant is not present in population databases (gnomAD no frequency). This sequence change replaces arginine, which is basic and polar, with cysteine, which is neutral and slightly polar, at codon 591 of the RASA1 protein (p.Arg591Cys).

NM_002890.3(RASA1):c.1771C>T (p.Arg591Cys)

Genes: CCNH (cyclin H; minus strand), RASA1 (RAS p21 protein activator 1; plus strand). Cytogenetic location: 5q14.3.
Variant type: single nucleotide variant.
Coding change: c.1771C>T on transcript NM_002890.3 (MANE Select); coding-DNA position 1771, C replaced by T.
Protein change: p.Arg591Cys; replaces arginine 591 with cysteine.
Molecular consequence: missense variant. On other transcripts: intron variant (1).
Genome position (GRCh38, 1-based): chr5:87,372,190, C>T. VCF-style: chr5-87372190-C-T. GRCh37 (hg19) VCF-style: chr5-86668007-C-T.
Other names: c.1240C>T, p.Arg414Cys (NM_022650.3); c.933+22854G>A (NM_001364075.2); short protein forms R414C, R591C.
Identifiers: ClinVar variation 2161444 (VCV002161444.3), dbSNP rs2531332452, ClinGen allele CA360373274.